The following is an entry in ClinVar:

NM_025009.5(CEP135):c.1226_1228delinsT (p.Lys409fs)

Gene: CEP135 (centrosomal protein 135; plus strand). Cytogenetic location: 4q12.
Variant type: Indel.
Coding change: c.1226_1228delinsT on transcript NM_025009.5 (MANE Select); coding-DNA positions 1226 to 1228, AAG replaced by T.
Protein change: p.Lys409fs; shifts the reading frame from lysine 409.
Molecular consequence: frameshift variant.
Genome position (GRCh38, 1-based): chr4:55,971,385-55,971,387, AAG replaced by T. VCF-style: chr4-55971385-AAG-T. GRCh37 (hg19) VCF-style: chr4-56837551-AAG-T.
Other names: short protein forms K409fs.
Identifiers: ClinVar variation 3764674 (VCV003764674.2).
Genomic context (GRCh38, chr4:55,971,385, plus strand): 5'-AATCAGACCTAGAAACTGTTGTTCATCAGCTTGAACAAGAAAAGCAAAGACTTAGCAAAA[AAG>T]TTGAAAGTTTTGCAGTTACAGGTAAGATGTCAAATTTTGATAGCTAAAGAATGATTGTGA-3'

ClinVar aggregate classification (germline): Likely pathogenic (1 of 4 stars; one submission).

Conditions:
Microcephaly 8, primary, autosomal recessive. Identifiers: Orphanet 2512, MedGen C3553414, MONDO:0013849, OMIM 614673.

Submission:

Juno Genomics, Hangzhou Juno Genomics, Inc
Classification: Likely pathogenic for Microcephaly 8, primary, autosomal recessive. Review status: criteria provided, single submitter. Criteria: ACMG Guidelines, 2015. Collection method: clinical testing. Allele origin: germline. Affected: yes.
Comment: Absent from controls (or at extremely low frequency if recessive) in Genome Aggregation Database, Exome Sequencing Project, 1000 Genomes Project, or Exome Aggregation Consortium.;Null variant in a gene where loss of function (LOF) is a known mechanism of disease.